The following is an entry in ClinVar:

ClinVar aggregate classification (germline): Uncertain significance (1 of 4 stars; one submission).

Conditions:
T-cell immunodeficiency, congenital alopecia, and nail dystrophy. Also called: Congenital alopecia and nail dystrophy associated with severe functional T-cell immunodeficiency; Pignata Guarino syndrome. Identifiers: Orphanet 169095, MedGen C1866426, MONDO:0011132, OMIM 601705.

Allele frequency attached by ClinVar (database versions not stated): gnomAD exomes below 0.00001 and 0.00001; ExAC 0.00001; gnomAD 0.00001; TOPMed 0.00001; ESP Exome Variant Server 0.00008.
gnomAD v4.1: 4 of 1,614,078 alleles (0.00025%); highest among the groups gnomAD compares: African/African-American, 0.0013%; no homozygotes.

Submission:

Labcorp Genetics (formerly Invitae), Labcorp
Classification: Uncertain significance for T-cell immunodeficiency, congenital alopecia, and nail dystrophy. Last evaluated: 2025-03-31. Review status: criteria provided, single submitter. Criteria: Invitae Variant Classification Sherloc (09022015). Collection method: clinical testing. Allele origin: germline.
Comment: This sequence change replaces glutamic acid, which is acidic and polar, with lysine, which is basic and polar, at codon 333 of the FOXN1 protein (p.Glu333Lys). This variant is present in population databases (rs148161520, gnomAD 0.002%). This variant has not been reported in the literature in individuals affected with FOXN1-related conditions. ClinVar contains an entry for this variant (Variation ID: 1500635). Invitae Evidence Modeling of protein sequence and biophysical properties (such as structural, functional, and spatial information, amino acid conservation, physicochemical variation, residue mobility, and thermodynamic stability) has been performed for this missense variant. However, the output from this modeling did not meet the statistical confidence thresholds required to predict the impact of this variant on FOXN1 protein function. In summary, the available evidence is currently insufficient to determine the role of this variant in disease. Therefore, it has been classified as a Variant of Uncertain Significance.

NM_001369369.1(FOXN1):c.997G>A (p.Glu333Lys)

Gene: FOXN1 (forkhead box N1; plus strand). Cytogenetic location: 17q11.2.
Variant type: single nucleotide variant.
Coding change: c.997G>A on transcript NM_001369369.1 (MANE Select); coding-DNA position 997, G replaced by A.
Protein change: p.Glu333Lys; replaces glutamic acid 333 with lysine.
Molecular consequence: missense variant.
Genome position (GRCh38, 1-based): chr17:28,534,400, G>A. VCF-style: chr17-28534400-G-A. GRCh37 (hg19) VCF-style: chr17-26861418-G-A.
Other names: c.997G>A, p.Glu333Lys (NM_003593.3); short protein forms E333K.
Identifiers: ClinVar variation 1500635 (VCV001500635.6), dbSNP rs148161520, ClinGen allele CA8459418.